The following is an entry in ClinVar:

NC_000019.10:g.39480796C>T

Gene: TIMM50 (translocase of inner mitochondrial membrane 50; plus strand). Cytogenetic location: 19q13.2.
Variant type: single nucleotide variant.
Genome position: GRCh38 VCF-style: chr19-39480796-C-T. GRCh37 (hg19) VCF-style: chr19-39971436-C-T.
Identifiers: ClinVar variation 1571717 (VCV001571717.33), dbSNP rs373936082, ClinGen allele CA9431606.
Genomic context (GRCh38, chr19:39,480,796, plus strand): 5'-TGGTCTCTCTCGGGCTTCCGTCCACCCGCCCCTCCCCCGCGTTTCCATTGGCTGTAGCTC[C>T]GGCCCGGGGCGGGCGAAGAGGGAGCGAGTGGGCGGGGCCGCGTGGCGTCAGCGCAAGATG-3'

ClinVar aggregate classification (germline): Likely benign. Review status: criteria provided, multiple submitters, no conflicts (2 of 4 stars). 2 submissions from 2 submitters: Likely benign (2). Last evaluated 2026-01-20.

Allele frequency attached by ClinVar (database versions not stated): gnomAD exomes 0.00005 and 0.00008; ESP Exome Variant Server 0.00008; TOPMed 0.00008; gnomAD 0.00010 and 0.00011; ExAC 0.00017.

Submissions (2):

Labcorp Genetics (formerly Invitae), Labcorp
Classification: Likely benign. Last evaluated: 2026-01-20. Review status: criteria provided, single submitter. Criteria: Invitae Variant Classification Sherloc (09022015). Collection method: clinical testing. Allele origin: germline.

CeGaT Center for Human Genetics Tuebingen
Classification: Likely benign. Last evaluated: 2022-08-01. Review status: criteria provided, single submitter. Criteria: CeGaT Center For Human Genetics Tuebingen Variant Classification Criteria Version 2. Collection method: clinical testing. Allele origin: germline. Affected: yes. Observed: 1 variant allele.
Comment: TIMM50: BP4, BP7